The following is an entry in ClinVar:

NM_000503.6(EYA1):c.1200-1G>A

Gene: EYA1 (EYA transcriptional coactivator and phosphatase 1; minus strand). Cytogenetic location: 8q13.3.
Variant type: single nucleotide variant.
Coding change: c.1200-1G>A on transcript NM_000503.6 (MANE Select); the canonical splice acceptor site of the intron before coding-DNA position 1200, G replaced by A.
Molecular consequence: splice acceptor variant.
Genome position (GRCh38, 1-based): chr8:71,216,853, C>T on the plus strand (G>A on the coding strand, the complement: EYA1 is on the minus strand). VCF-style: chr8-71216853-C-T. GRCh37 (hg19) VCF-style: chr8-72129088-C-T.
Other names: c.1179-1G>A (NM_001370336.1); c.1287-1G>A (NM_001370333.1); c.1200-1G>A (NM_001370335.1, NM_001370334.1, NM_172058.4); c.1182-1G>A (NM_172059.5, NM_001288574.2); c.1101-1G>A (NM_001411797.1, NM_172060.4); c.834-1G>A (NM_001288575.2).
Identifiers: ClinVar variation 578749 (VCV000578749.11), dbSNP rs1563634200, ClinGen allele CA371466913.
Genomic context (GRCh38, chr8:71,216,853, plus strand): 5'-AAACATAAGTTAGCACTGGTTGCTGCAGCAGGAAAGCCATCTGTTCCAAAGTTATATGTG[C>T]TATTTATATGCAAGAAAAGCCCAAAGTTAGCCGAACAGAAAGTCCATCTTAATTAGGTAA-3'

ClinVar aggregate classification (germline): Pathogenic. Review status: criteria provided, multiple submitters, no conflicts (2 of 4 stars). 2 submissions from 2 submitters: Pathogenic (2). Last evaluated 2024-01-09.

Conditions:
Melnick-Fraser syndrome (BOR). Also called: Branchiootorenal Syndrome (BORS); Branchiootorenal syndrome; Branchio-oto-renal syndrome. Identifiers: Orphanet 107, MedGen C0265234, MONDO:0007029.

Submissions (2):

GeneDx
Classification: Pathogenic. Last evaluated: 2024-01-09. Review status: criteria provided, single submitter. Criteria: GeneDx Variant Classification Process June 2021. Collection method: clinical testing. Allele origin: germline. Affected: yes.
Comment: Reported in multiple individuals within a single family with hearing loss in published literature (PMID: 31427586); Canonical splice site variant predicted to result in a null allele in a gene for which loss of function is a known mechanism of disease; Not observed at significant frequency in large population cohorts (gnomAD); This variant is associated with the following publications: (PMID: 31427586)

Labcorp Genetics (formerly Invitae), Labcorp
Classification: Pathogenic for Melnick-Fraser syndrome. Last evaluated: 2018-05-16. Review status: criteria provided, single submitter. Criteria: Invitae Variant Classification Sherloc (09022015). Collection method: clinical testing. Allele origin: germline.
Comment: This sequence change affects an acceptor splice site in intron 13 of the EYA1 gene. It is expected to disrupt RNA splicing and likely results in an absent or disrupted protein product. For these reasons, this variant has been classified as Pathogenic. Donor and acceptor splice site variants typically lead to a loss of protein function (PMID: 16199547), and loss-of-function variants in EYA1 are known to be pathogenic (PMID: 18220287). Algorithms developed to predict the effect of sequence changes on RNA splicing suggest that this variant may disrupt the consensus splice site, but this prediction has not been confirmed by published transcriptional studies. This variants has been observed to segregate with branchiootorenal syndrome in a family (Invitae). This variant is not present in population databases (ExAC no frequency).

Literature cited by the submitters: PubMed 16199547 (cited by Labcorp Genetics (formerly Invitae), Labcorp); PubMed 18220287 (cited by Labcorp Genetics (formerly Invitae), Labcorp).